The following is an entry in ClinVar:

ClinVar aggregate classification (germline): Likely pathogenic. Review status: criteria provided, single submitter (1 of 4 stars). 2 submissions from 2 submitters: Likely pathogenic (1). 1 of the submissions does not count toward it. Last evaluated 2023-01-07.

Conditions:
Mucopolysaccharidosis type 7 (MPS7). Also called: BETA-GLUCURONIDASE DEFICIENCY; GUSB DEFICIENCY; MPS VII; SLY SYNDROME. Identifiers: Orphanet 584, MedGen C0085132, MONDO:0009662, OMIM 253220.

Allele frequency attached by ClinVar (database versions not stated): TOPMed below 0.00001.
gnomAD v4.1: 4 of 1,613,772 alleles (0.00025%); highest among the groups gnomAD compares: South Asian, 0.0022%; no homozygotes.

Submissions (2):

Labcorp Genetics (formerly Invitae), Labcorp
Classification: Likely pathogenic for Mucopolysaccharidosis type 7. Last evaluated: 2023-01-07. Review status: criteria provided, single submitter. Criteria: Invitae Variant Classification Sherloc (09022015). Collection method: clinical testing. Allele origin: germline.
Comment: Advanced modeling of protein sequence and biophysical properties (such as structural, functional, and spatial information, amino acid conservation, physicochemical variation, residue mobility, and thermodynamic stability) performed at Invitae indicates that this missense variant is expected to disrupt GUSB protein function. In summary, the currently available evidence indicates that the variant is pathogenic, but additional data are needed to prove that conclusively. Therefore, this variant has been classified as Likely Pathogenic. This variant disrupts the p.Arg216 amino acid residue in GUSB. Other variant(s) that disrupt this residue have been determined to be pathogenic (PMID: 8111412, 8644704, 9099834). This suggests that this residue is clinically significant, and that variants that disrupt this residue are likely to be disease-causing. ClinVar contains an entry for this variant (Variation ID: 1188827). This missense change has been observed in individual(s) with MPS VII or Sly syndrome (PMID: 30653816). This variant is not present in population databases (gnomAD no frequency). This sequence change replaces arginine, which is basic and polar, with glutamine, which is neutral and polar, at codon 216 of the GUSB protein (p.Arg216Gln).

Center for Human Genetics and Genomic Medicine, Uniklinik Rwth Aachen
Classification: Likely pathogenic for Mucopolysaccharidosis type 7. Last evaluated: 2021-01-20. Review status: no assertion criteria provided. Collection method: clinical testing. Allele origin: germline. Inheritance: Autosomal recessive inheritance. Affected: no. Observed: 2 variant alleles, 1 heterozygote, 1 compound heterozygote. Not counted in ClinVar's aggregate classification.

Literature cited by the submitters: PubMed 8111412 (cited by Labcorp Genetics (formerly Invitae), Labcorp); PubMed 8644704 (cited by Labcorp Genetics (formerly Invitae), Labcorp); PubMed 9099834 (cited by Labcorp Genetics (formerly Invitae), Labcorp); PubMed 30653816 (cited by Labcorp Genetics (formerly Invitae), Labcorp).

NM_000181.4(GUSB):c.647G>A (p.Arg216Gln)

Gene: GUSB (glucuronidase beta; minus strand). Cytogenetic location: 7q11.21.
Variant type: single nucleotide variant.
Coding change: c.647G>A on transcript NM_000181.4 (MANE Select); coding-DNA position 647, G replaced by A.
Protein change: p.Arg216Gln; replaces arginine 216 with glutamine.
Molecular consequence: missense variant. On other transcripts: non-coding transcript variant (1), intron variant (2).
Genome position (GRCh38, 1-based): chr7:65,979,476, C>T on the plus strand (G>A on the coding strand, the complement: GUSB is on the minus strand). VCF-style: chr7-65979476-C-T. GRCh37 (hg19) VCF-style: chr7-65444463-C-T.
Other names: c.77G>A, p.Arg26Gln (NM_001293104.2); c.67+748G>A (NM_001293105.2); c.474+358G>A (NM_001284290.2); short protein forms R216Q, R26Q.
Identifiers: ClinVar variation 1188827 (VCV001188827.5), dbSNP rs1791836120, ClinGen allele CA367649474.